The following is an entry in ClinVar:

ClinVar aggregate classification (germline): Uncertain significance (1 of 4 stars; one submission).

Conditions:
Hereditary cancer-predisposing syndrome. Also called: Tumor predisposition; Neoplastic Syndromes, Hereditary; Hereditary Cancer Syndrome; Hereditary neoplastic syndrome. Identifiers: Orphanet 140162, MedGen C0027672, MeSH D009386, MONDO:0015356.

Submission:

Ambry Genetics
Classification: Uncertain significance for Hereditary cancer-predisposing syndrome. Last evaluated: 2022-05-29. Review status: criteria provided, single submitter. Criteria: Ambry Variant Classification Scheme 2023. Collection method: clinical testing. Allele origin: germline.
Comment: The p.T1054A variant (also known as c.3160A>G), located in coding exon 14 of the MET gene, results from an A to G substitution at nucleotide position 3160. The threonine at codon 1054 is replaced by alanine, an amino acid with similar properties. This amino acid position is conserved. In addition, this alteration is predicted to be tolerated by in silico analysis. Since supporting evidence is limited at this time, the clinical significance of this alteration remains unclear.

NM_000245.4(MET):c.3106A>G (p.Thr1036Ala)

Gene: MET (MET proto-oncogene, receptor tyrosine kinase; plus strand). Cytogenetic location: 7q31.2.
Variant type: single nucleotide variant.
Coding change: c.3106A>G on transcript NM_000245.4 (MANE Select); coding-DNA position 3106, A replaced by G.
Protein change: p.Thr1036Ala; replaces threonine 1036 with alanine.
Molecular consequence: missense variant.
Genome position (GRCh38, 1-based): chr7:116,774,958, A>G. VCF-style: chr7-116774958-A-G. GRCh37 (hg19) VCF-style: chr7-116415012-A-G.
Other names: c.3160A>G, p.Thr1054Ala (NM_001127500.3); c.1816A>G, p.Thr606Ala (NM_001324402.2); short protein forms T1054A, T1036A, T606A.
Identifiers: ClinVar variation 1728303 (VCV001728303.2), dbSNP rs2117030488, ClinGen allele CA368988131.